The following is an entry in ClinVar:

ClinVar aggregate classification (germline): Likely benign. Review status: criteria provided, multiple submitters, no conflicts (2 of 4 stars). 7 submissions from 7 submitters: Likely benign (6). 1 of the submissions does not count toward it. Last evaluated 2026-02-03.

Conditions:
Pheochromocytoma. Also called: MAX-Related Hereditary Paraganglioma-Pheochromocytoma Syndrome. Identifiers: Orphanet 29072, MedGen C0031511, MONDO:0008233, OMIM 171300, HP:0002666.
Hirschsprung disease, susceptibility to, 1 (HSCR1). Also called: RET-Related Hirschsprung Disease. Identifiers: Orphanet 388, MedGen C3888239, MONDO:0007723, OMIM 142623.
Familial medullary thyroid carcinoma (MTC). Also called: Thyroid cancer, familial medullary; MTC, familial; Familial Medullary Thyroid Carcinoma (FMTC). Identifiers: Orphanet 653, Orphanet 99361, MedGen C1833921, MONDO:0007958, OMIM 155240.
Multiple endocrine neoplasia type 2B. Also called: WAGENMANN-FROBOESE SYNDROME; MULTIPLE ENDOCRINE NEOPLASIA, TYPE III; MEN 2B; MUCOSAL NEUROMA SYNDROME; MULTIPLE ENDOCRINE NEOPLASIA, TYPE IIB; MEN IIB. Identifiers: Orphanet 247709, Orphanet 653, MedGen C0025269, MeSH D018814, MONDO:0008082, OMIM 162300.
Multiple endocrine neoplasia type 2A. Also called: MULTIPLE ENDOCRINE NEOPLASIA, TYPE IIA; PTC SYNDROME; SIPPLE SYNDROME; MEN 2A; MEN-2A syndrome; Pheochromocytoma and amyloid producing medullary thyroid carcinoma. Identifiers: Orphanet 247698, Orphanet 653, MedGen C0025268, MeSH D018813, MONDO:0008234, OMIM 171400.
RET-related disorder. Also called: RET-related disorders; RET-related condition; RET-related disease.
Hereditary cancer-predisposing syndrome. Also called: Tumor predisposition; Hereditary neoplastic syndrome; Neoplastic Syndromes, Hereditary; Hereditary Cancer Syndrome. Identifiers: Orphanet 140162, MedGen C0027672, MeSH D009386, MONDO:0015356.
Multiple endocrine neoplasia, type 2 (MEN2). Identifiers: Orphanet 653, MedGen C4048306, MONDO:0019003. Disease mechanism: gain of function.

Allele frequency attached by ClinVar (database versions not stated): ExAC 0.00001; gnomAD 0.00002; gnomAD exomes 0.00002 and 0.00006; TOPMed 0.00002.
gnomAD v4.1: 83 of 1,613,734 alleles (0.0051%); highest among the groups gnomAD compares: Non-Finnish European, 0.0065%; no homozygotes.

Submissions (7):

Labcorp Genetics (formerly Invitae), Labcorp
Classification: Likely benign for Multiple endocrine neoplasia, type 2. Last evaluated: 2026-02-03. Review status: criteria provided, single submitter. Criteria: Invitae Variant Classification Sherloc (09022015). Collection method: clinical testing. Allele origin: germline.

CeGaT Center for Human Genetics Tuebingen
Classification: Likely benign. Last evaluated: 2024-11-01. Review status: criteria provided, single submitter. Criteria: CeGaT Center For Human Genetics Tuebingen Variant Classification Criteria Version 2. Collection method: clinical testing. Allele origin: germline. Affected: yes. Observed: 1 variant allele.
Comment: RET: BP4, BP7

Color Diagnostics, LLC DBA Color Health
Classification: Likely benign for Multiple endocrine neoplasia, type 2. Last evaluated: 2023-03-29. Review status: criteria provided, single submitter. Criteria: ACMG Guidelines, 2015. Collection method: clinical testing. Allele origin: germline.

Fulgent Genetics
Classification: Likely benign for Hirschsprung disease, susceptibility to, 1; Familial medullary thyroid carcinoma; Multiple endocrine neoplasia type 2B; Pheochromocytoma; Multiple endocrine neoplasia type 2A. Last evaluated: 2021-11-30. Review status: criteria provided, single submitter. Criteria: ACMG Guidelines, 2015. Collection method: clinical testing. Allele origin: unknown.

Ambry Genetics
Classification: Likely benign for Hereditary cancer-predisposing syndrome. Last evaluated: 2019-09-28. Review status: criteria provided, single submitter. Criteria: Ambry Variant Classification Scheme 2023. Collection method: clinical testing. Allele origin: germline.

GeneDx
Classification: Likely benign. Last evaluated: 2018-05-03. Review status: criteria provided, single submitter. Criteria: GeneDx Variant Classification (06012015). Collection method: clinical testing. Allele origin: germline. Affected: yes.
Comment: This variant is considered likely benign or benign based on one or more of the following criteria: it is a conservative change, it occurs at a poorly conserved position in the protein, it is predicted to be benign by multiple in silico algorithms, and/or has population frequency not consistent with disease.

PreventionGenetics, part of Exact Sciences
Classification: Likely benign for RET-related condition. Last evaluated: 2020-01-24. Review status: no assertion criteria provided. Collection method: clinical testing. Allele origin: germline. Not counted in ClinVar's aggregate classification.
Comment: This variant is classified as likely benign based on ACMG/AMP sequence variant interpretation guidelines (Richards et al. 2015 PMID: 25741868, with internal and published modifications).

NM_020975.6(RET):c.144G>A (p.Thr48=)

Gene: RET (ret proto-oncogene; plus strand). Cytogenetic location: 10q11.21.
Variant type: single nucleotide variant.
Coding change: c.144G>A on transcript NM_020975.6 (MANE Select); coding-DNA position 144, G replaced by A.
Protein change: p.Thr48=; no amino-acid change (threonine 48 retained).
Molecular consequence: synonymous variant. On other transcripts: intron variant (4).
Genome position (GRCh38, 1-based): chr10:43,100,529, G>A. VCF-style: chr10-43100529-G-A. GRCh37 (hg19) VCF-style: chr10-43595977-G-A.
Other names: c.144G>A, p.Thr48= (NM_000323.2, NM_001406743.1, NM_001406744.1 and 34 more transcripts); c.74-8502G>A (NM_001406784.1); c.74-11570G>A (NM_001406794.1, NM_001406792.1, NM_001406793.1).
Identifiers: ClinVar variation 215905 (VCV000215905.35), dbSNP rs759872307, ClinGen allele CA033685.